The following is an entry in ClinVar:

NM_001429.4(EP300):c.3694T>A (p.Ser1232Thr)

Gene: EP300 (EP300 lysine acetyltransferase; plus strand). Cytogenetic location: 22q13.2.
Variant type: single nucleotide variant.
Coding change: c.3694T>A on transcript NM_001429.4 (MANE Select); coding-DNA position 3694, T replaced by A.
Protein change: p.Ser1232Thr; replaces serine 1232 with threonine.
Molecular consequence: missense variant.
Genome position (GRCh38, 1-based): chr22:41,162,745, T>A. VCF-style: chr22-41162745-T-A. GRCh37 (hg19) VCF-style: chr22-41558749-T-A.
Other names: c.3616T>A, p.Ser1206Thr (NM_001362843.2); short protein forms S1206T, S1232T.
Identifiers: ClinVar variation 3667161 (VCV003667161.2).

ClinVar aggregate classification (germline): Uncertain significance (1 of 4 stars; one submission).

Conditions:
Rubinstein-Taybi syndrome due to EP300 haploinsufficiency. Also called: EP300-Related Rubinstein-Taybi Syndrome; RUBINSTEIN-TAYBI SYNDROME 2. Identifiers: Orphanet 353284, Orphanet 783, MedGen C3150941, MONDO:0013364, OMIM 613684.

Submission:

Labcorp Genetics (formerly Invitae), Labcorp
Classification: Uncertain significance for Rubinstein-Taybi syndrome due to EP300 haploinsufficiency. Last evaluated: 2025-03-17. Review status: criteria provided, single submitter. Criteria: Invitae Variant Classification Sherloc (09022015). Collection method: clinical testing. Allele origin: germline.
Comment: This sequence change replaces serine, which is neutral and polar, with threonine, which is neutral and polar, at codon 1232 of the EP300 protein (p.Ser1232Thr). This variant is not present in population databases (gnomAD no frequency). This variant has not been reported in the literature in individuals affected with EP300-related conditions. Invitae Evidence Modeling of protein sequence and biophysical properties (such as structural, functional, and spatial information, amino acid conservation, physicochemical variation, residue mobility, and thermodynamic stability) has been performed for this missense variant. However, the output from this modeling did not meet the statistical confidence thresholds required to predict the impact of this variant on EP300 protein function. In summary, the available evidence is currently insufficient to determine the role of this variant in disease. Therefore, it has been classified as a Variant of Uncertain Significance.